The following is an entry in ClinVar:

NM_020831.6(MRTFA):c.1840G>T (p.Gly614Trp)

Gene: MRTFA (myocardin related transcription factor A; minus strand). Cytogenetic location: 22q13.1.
Variant type: single nucleotide variant.
Coding change: c.1840G>T on transcript NM_020831.6 (MANE Select); coding-DNA position 1840, G replaced by T.
Protein change: p.Gly614Trp; replaces glycine 614 with tryptophan.
Molecular consequence: missense variant.
Genome position (GRCh38, 1-based): chr22:40,418,898, C>A on the plus strand (G>T on the coding strand, the complement: MRTFA is on the minus strand). VCF-style: chr22-40418898-C-A. GRCh37 (hg19) VCF-style: chr22-40814902-C-A.
Other names: c.1690G>T, p.Gly564Trp (NM_001282661.3); c.1840G>T, p.Gly614Trp (NM_001282662.3); c.1645G>T, p.Gly549Trp (NM_001318139.2); c.1540G>T, p.Gly514Trp (NM_001282660.2); short protein forms G514W, G549W, G564W, G614W.
Identifiers: ClinVar variation 3613820 (VCV003613820.2).

ClinVar aggregate classification (germline): Uncertain significance (1 of 4 stars; one submission).

Submission:

Labcorp Genetics (formerly Invitae), Labcorp
Classification: Uncertain significance. Last evaluated: 2024-02-11. Review status: criteria provided, single submitter. Criteria: Invitae Variant Classification Sherloc (09022015). Collection method: clinical testing. Allele origin: germline.
Comment: This sequence change replaces glycine, which is neutral and non-polar, with tryptophan, which is neutral and slightly polar, at codon 514 of the MKL1 protein (p.Gly514Trp). This variant is not present in population databases (gnomAD no frequency). This variant has not been reported in the literature in individuals affected with MKL1-related conditions. An algorithm developed to predict the effect of missense changes on protein structure and function (PolyPhen-2) suggests that this variant is likely to be tolerated. In summary, the available evidence is currently insufficient to determine the role of this variant in disease. Therefore, it has been classified as a Variant of Uncertain Significance.